The following is an entry in ClinVar:

ClinVar aggregate classification (germline): Pathogenic (1 of 4 stars; one submission).

Conditions:
Hereditary cancer-predisposing syndrome. Also called: Hereditary Cancer Syndrome; Tumor predisposition; Hereditary neoplastic syndrome; Neoplastic Syndromes, Hereditary. Identifiers: Orphanet 140162, MedGen C0027672, MeSH D009386, MONDO:0015356.

Submission:

Ambry Genetics
Classification: Pathogenic for Hereditary cancer-predisposing syndrome. Last evaluated: 2024-04-11. Review status: criteria provided, single submitter. Criteria: Ambry Variant Classification Scheme 2023. Collection method: clinical testing. Allele origin: germline.
Comment: The p.Y839* pathogenic mutation (also known as c.2517C>G), located in coding exon 10 of the BRCA2 gene, results from a C to G substitution at nucleotide position 2517. This changes the amino acid from a tyrosine to a stop codon within coding exon 10. This variant is considered to be rare based on population cohorts in the Genome Aggregation Database (gnomAD). This alteration is expected to result in loss of function by premature protein truncation or nonsense-mediated mRNA decay. As such, this alteration is interpreted as a disease-causing mutation.

NM_000059.4(BRCA2):c.2517C>G (p.Tyr839Ter)

Gene: BRCA2 (BRCA2 DNA repair associated; plus strand). Cytogenetic location: 13q13.1.
Variant type: single nucleotide variant.
Coding change: c.2517C>G on transcript NM_000059.4 (MANE Select); coding-DNA position 2517, C replaced by G.
Protein change: p.Tyr839Ter; replaces tyrosine 839 with a stop codon.
Molecular consequence: nonsense. On other transcripts: intron variant (2), non-coding transcript variant (1).
Genome position (GRCh38, 1-based): chr13:32,336,872, C>G. VCF-style: chr13-32336872-C-G. GRCh37 (hg19) VCF-style: chr13-32911009-C-G.
Other names: c.424+5842C>G (NM_001406722.1); c.2517C>G, p.Tyr839Ter (NM_001406719.1, NM_001406720.1); c.1909+3485C>G (NM_001406721.1); short protein forms Y839*.
Identifiers: ClinVar variation 3261572 (VCV003261572.1).
Genomic context (GRCh38, chr13:32,336,872, plus strand): 5'-AGATGTATGTGCTTTAAATGAAAATTATAAAAACGTTGAGCTGTTGCCACCTGAAAAATA[C>G]ATGAGAGTAGCATCACCTTCAAGAAAGGTACAATTCAACCAAAACACAAATCTAAGAGTA-3'